The following is an entry in ClinVar:

ClinVar aggregate classification (germline): Uncertain significance (1 of 4 stars; one submission).

Conditions:
Inborn genetic diseases. Identifiers: MedGen C0950123, MeSH D030342.

Submission:

Ambry Genetics
Classification: Uncertain significance for Inborn genetic diseases. Last evaluated: 2024-12-14. Review status: criteria provided, single submitter. Criteria: Ambry Variant Classification Scheme 2023. Collection method: clinical testing. Allele origin: germline.
Comment: The p.S1143I variant (also known as c.3428G>T), located in coding exon 1 of the SAMD9L gene, results from a G to T substitution at nucleotide position 3428. The serine at codon 1143 is replaced by isoleucine, an amino acid with dissimilar properties. This amino acid position is conserved. In addition, this alteration is predicted to be tolerated by in silico analysis. Based on the available evidence, the clinical significance of this variant remains unclear.

NM_152703.5(SAMD9L):c.3428G>T (p.Ser1143Ile)

Gene: SAMD9L (sterile alpha motif domain containing 9 like; minus strand). Cytogenetic location: 7q21.2.
Variant type: single nucleotide variant.
Coding change: c.3428G>T on transcript NM_152703.5 (MANE Select); coding-DNA position 3428, G replaced by T.
Protein change: p.Ser1143Ile; replaces serine 1143 with isoleucine.
Molecular consequence: missense variant.
Genome position (GRCh38, 1-based): chr7:93,132,544, C>A on the plus strand (G>T on the coding strand, the complement: SAMD9L is on the minus strand). VCF-style: chr7-93132544-C-A. GRCh37 (hg19) VCF-style: chr7-92761857-C-A.
Other names: c.3428G>T, p.Ser1143Ile (NM_001303496.3, NM_001303497.3, NM_001303498.3 and 5 more transcripts); short protein forms S1143I.
Identifiers: ClinVar variation 3792205 (VCV003792205.1).